The following is an entry in ClinVar:

ClinVar aggregate classification (germline): Uncertain significance (1 of 4 stars; one submission).

Conditions:
Inborn genetic diseases. Identifiers: MedGen C0950123, MeSH D030342.

Submission:

Ambry Genetics
Classification: Uncertain significance for Inborn genetic diseases. Last evaluated: 2026-04-20. Review status: criteria provided, single submitter. Criteria: Ambry Variant Classification Scheme 2023. Collection method: clinical testing. Allele origin: germline.
Comment: The p.N322I variant (also known as c.965A>T), located in coding exon 3 of the MBD4 gene, results from an A to T substitution at nucleotide position 965. The asparagine at codon 322 is replaced by isoleucine, an amino acid with dissimilar properties. This amino acid position is conserved. In addition, this alteration is predicted to be tolerated by in silico analysis. Based on the available evidence, the clinical significance of this variant remains unclear.

NM_001276270.2(MBD4):c.965A>T (p.Asn322Ile)

Gene: MBD4 (methyl-CpG binding domain 4, DNA glycosylase; minus strand). Cytogenetic location: 3q21.3.
Variant type: single nucleotide variant.
Coding change: c.965A>T on transcript NM_001276270.2 (MANE Select); coding-DNA position 965, A replaced by T.
Protein change: p.Asn322Ile; replaces asparagine 322 with isoleucine.
Molecular consequence: missense variant. On other transcripts: intron variant (1).
Genome position (GRCh38, 1-based): chr3:129,436,679, T>A on the plus strand (A>T on the coding strand, the complement: MBD4 is on the minus strand). VCF-style: chr3-129436679-T-A. GRCh37 (hg19) VCF-style: chr3-129155522-T-A.
Other names: c.965A>T, p.Asn322Ile (NM_001276271.2, NM_001276272.2, NM_003925.3); c.247+1129A>T (NM_001276273.2); short protein forms N322I.
Identifiers: ClinVar variation 4859586 (VCV004859586.1).
Genomic context (GRCh38, chr3:129,436,679, plus strand): 5'-GAGTCTTTGGCTGAACAAAATTTGTTTATGATGCCAGAAGTTTTTTGTTCAGAACAAAAA[T>A]TTGATCCTGAACTCAATGATCTTTCTTTTTTTTTTACAAGGCTGTTTTCTTCACTGGTCA-3'
Protein context (NP_001263199.1, residues 312-332): KKERSLSSGS[Asn322Ile]FCSEQKTSGI